The following is an entry in ClinVar:

NM_001943.5(DSG2):c.890A>T (p.Asp297Val)

Gene: DSG2 (desmoglein 2; plus strand). Cytogenetic location: 18q12.1.
Variant type: single nucleotide variant.
Coding change: c.890A>T on transcript NM_001943.5 (MANE Select); coding-DNA position 890, A replaced by T.
Protein change: p.Asp297Val; replaces aspartic acid 297 with valine.
Molecular consequence: missense variant.
Genome position (GRCh38, 1-based): chr18:31,524,764, A>T. VCF-style: chr18-31524764-A-T. GRCh37 (hg19) VCF-style: chr18-29104727-A-T.
Other names: short protein forms D297V.
Identifiers: ClinVar variation 925516 (VCV000925516.8), dbSNP rs1418275138, ClinGen allele CA402135585.

ClinVar aggregate classification (germline): Uncertain significance. Review status: criteria provided, multiple submitters, no conflicts (2 of 4 stars). 2 submissions from 2 submitters: Uncertain significance (2). Last evaluated 2023-12-05.

Conditions:
Arrhythmogenic right ventricular dysplasia 10. Also called: ARRHYTHMOGENIC RIGHT VENTRICULAR DYSPLASIA, FAMILIAL, 10; Arrhythmogenic right ventricular dysplasia/cardiomyopathy, type 10; Arrhythmogenic Right Ventricular Dysplasia/Cardiomyopathy10. Identifiers: MedGen C1857777, MONDO:0012434, OMIM 610193.
Cardiomyopathy (CMYO). Also called: Cardiomyopathies. Identifiers: Orphanet 167848, MedGen C0878544, MONDO:0004994, HP:0001638. Inheritance: Various modes of inheritance.

Submissions (2):

Color Diagnostics, LLC DBA Color Health
Classification: Uncertain significance for Cardiomyopathy. Last evaluated: 2023-12-05. Review status: criteria provided, single submitter. Criteria: ACMG Guidelines, 2015. Collection method: clinical testing. Allele origin: germline.
Comment: This missense variant replaces aspartic acid with valine at codon 297 of the DSG2 protein. Computational prediction tools and conservation analyses suggest that this variant may have deleterious impact on the protein function. Computational splicing tools suggest that this variant may not impact RNA splicing. To our knowledge, functional assays have not been performed for this variant nor has this variant been reported in individuals affected with cardiovascular disorders in the literature. This variant has not been identified in the general population by the Genome Aggregation Database (gnomAD). Available evidence is insufficient to determine the role of this variant in disease conclusively. Therefore, this variant is classified as a Variant of Uncertain Significance.

Labcorp Genetics (formerly Invitae), Labcorp
Classification: Uncertain significance for Arrhythmogenic right ventricular dysplasia 10. Last evaluated: 2023-07-07. Review status: criteria provided, single submitter. Criteria: Invitae Variant Classification Sherloc (09022015). Collection method: clinical testing. Allele origin: germline.
Comment: This sequence change replaces aspartic acid, which is acidic and polar, with valine, which is neutral and non-polar, at codon 297 of the DSG2 protein (p.Asp297Val). This variant is not present in population databases (gnomAD no frequency). This variant has not been reported in the literature in individuals affected with DSG2-related conditions. ClinVar contains an entry for this variant (Variation ID: 925516). Advanced modeling of protein sequence and biophysical properties (such as structural, functional, and spatial information, amino acid conservation, physicochemical variation, residue mobility, and thermodynamic stability) has been performed at Invitae for this missense variant, however the output from this modeling did not meet the statistical confidence thresholds required to predict the impact of this variant on DSG2 protein function. In summary, the available evidence is currently insufficient to determine the role of this variant in disease. Therefore, it has been classified as a Variant of Uncertain Significance.